The following is an entry in ClinVar:

NM_000081.4(LYST):c.5507G>A (p.Arg1836Gln)

Gene: LYST (lysosomal trafficking regulator; minus strand). Cytogenetic location: 1q42.3.
Variant type: single nucleotide variant.
Coding change: c.5507G>A on transcript NM_000081.4 (MANE Select); coding-DNA position 5507, G replaced by A.
Protein change: p.Arg1836Gln; replaces arginine 1836 with glutamine.
Molecular consequence: missense variant.
Genome position (GRCh38, 1-based): chr1:235,775,040, C>T on the plus strand (G>A on the coding strand, the complement: LYST is on the minus strand). VCF-style: chr1-235775040-C-T. GRCh37 (hg19) VCF-style: chr1-235938340-C-T.
Other names: c.5507G>A, p.Arg1836Gln (NM_001301365.1); short protein forms R1836Q.
Identifiers: ClinVar variation 876809 (VCV000876809.6), dbSNP rs562356201, ClinGen allele CA1466608.
Genomic context (GRCh38, chr1:235,775,040, plus strand): 5'-TTACAATTTTCTAATTCATGTACTCTTTGTTGGTTGTATTTAATTAATGAGAGTATAACT[C>T]GCAGTGCTAATGCTTGAGTTTCTTCACAGCTACTGAGTTCAACAACCTAAAAAAAAAAAT-3'
Protein context (NP_000072.2, residues 1826-1846): SCEETQALAL[Arg1836Gln]VILSLIKYNQ

ClinVar aggregate classification (germline): Uncertain significance. Review status: criteria provided, multiple submitters, no conflicts (2 of 4 stars). 3 submissions from 3 submitters: Uncertain significance (3). Last evaluated 2023-11-03.

Conditions:
Chédiak-Higashi syndrome (CHS). Also called: Chediak-Higashi Syndrome. Identifiers: Orphanet 167, MedGen C0007965, MONDO:0008963, OMIM 214500.

Allele frequency attached by ClinVar (database versions not stated): 1000 Genomes Project 30x 0.00016; 1000 Genomes Project 0.00020; gnomAD 0.00001; ExAC 0.00002; TOPMed 0.00002.
gnomAD v4.1: 9 of 1,611,684 alleles (0.00056%); highest among the groups gnomAD compares: East Asian, 0.0045%; no homozygotes.

Submissions (3):

Revvity Omics, Revvity
Classification: Uncertain significance for Chédiak-Higashi syndrome. Last evaluated: 2023-11-03. Review status: criteria provided, single submitter. Criteria: ACMG Guidelines, 2015. Collection method: clinical testing. Allele origin: germline.

Labcorp Genetics (formerly Invitae), Labcorp
Classification: Uncertain significance for Chédiak-Higashi syndrome. Last evaluated: 2022-02-28. Review status: criteria provided, single submitter. Criteria: Invitae Variant Classification Sherloc (09022015). Collection method: clinical testing. Allele origin: germline.
Comment: This sequence change replaces arginine, which is basic and polar, with glutamine, which is neutral and polar, at codon 1836 of the LYST protein (p.Arg1836Gln). This variant is present in population databases (rs562356201, gnomAD 0.007%). This variant has not been reported in the literature in individuals affected with LYST-related conditions. ClinVar contains an entry for this variant (Variation ID: 876809). Algorithms developed to predict the effect of missense changes on protein structure and function output the following: SIFT: "Tolerated"; PolyPhen-2: "Benign"; Align-GVGD: "Class C0". The glutamine amino acid residue is found in multiple mammalian species, which suggests that this missense change does not adversely affect protein function. In summary, the available evidence is currently insufficient to determine the role of this variant in disease. Therefore, it has been classified as a Variant of Uncertain Significance.

Illumina Laboratory Services, Illumina
Classification: Uncertain significance for Chédiak-Higashi syndrome. Last evaluated: 2018-01-12. Review status: criteria provided, single submitter. Criteria: ICSL Variant Classification Criteria 13 December 2019. Collection method: clinical testing. Allele origin: germline.